The following is an entry in ClinVar:

ClinVar aggregate classification (germline): Uncertain significance (1 of 4 stars; one submission).

Submission:

GeneDx
Classification: Uncertain significance. Last evaluated: 2022-04-14. Review status: criteria provided, single submitter. Criteria: GeneDx Variant Classification Process June 2021. Collection method: clinical testing. Allele origin: germline. Affected: yes.
Comment: Not observed at significant frequency in large population cohorts (gnomAD); In silico analysis supports that this missense variant does not alter protein structure/function; Has not been previously published as pathogenic or benign to our knowledge; Variants in candidate genes are classified as variants of uncertain significance in accordance with ACMG guidelines (Richards et al., 2015)

NM_024721.5(ZFHX4):c.313C>T (p.Leu105Phe)

Gene: ZFHX4 (zinc finger homeobox 4; plus strand). Cytogenetic location: 8q21.13.
Variant type: single nucleotide variant.
Coding change: c.313C>T on transcript NM_024721.5 (MANE Select); coding-DNA position 313, C replaced by T.
Protein change: p.Leu105Phe; replaces leucine 105 with phenylalanine.
Molecular consequence: missense variant.
Genome position (GRCh38, 1-based): chr8:76,704,401, C>T. VCF-style: chr8-76704401-C-T. GRCh37 (hg19) VCF-style: chr8-77616636-C-T.
Other names: c.313C>T, p.Leu105Phe (NM_001410934.1); short protein forms L105F.
Identifiers: ClinVar variation 3900258 (VCV003900258.1).